The following is an entry in ClinVar:

ClinVar aggregate classification (germline): Pathogenic (1 of 4 stars; one submission).

Conditions:
Osteogenesis imperfecta, perinatal lethal (OI2). Also called: OSTEOGENESIS IMPERFECTA, TYPE II; Osteogenesis imperfecta, dominant perinatal lethal; OI, TYPE II; OSTEOGENESIS IMPERFECTA CONGENITA; VROLIK TYPE OF OSTEOGENESIS IMPERFECTA; Osteogenesis imperfecta type 2. Identifiers: Orphanet 216804, MedGen C0268358, MONDO:0008147, OMIM 166210.

Submission:

Victorian Clinical Genetics Services, Murdoch Childrens Research Institute
Classification: Pathogenic for Osteogenesis imperfecta, perinatal lethal. Last evaluated: 2025-02-10. Review status: criteria provided, single submitter. Criteria: ACMG Guidelines, 2015. Collection method: clinical testing. Allele origin: germline. Affected: yes.
Comment: This variant is classified as Pathogenic. Evidence in support of pathogenic classification: Variant is absent from gnomAD (v2, v3 and v4); This variant has moderate previous evidence of pathogenicity in unrelated individuals. This variant has been reported in the literature in individuals with osteogenesis imperfecta (PMIDs: 25742658, 30715774); Another missense variant comparable to the one identified in this case has limited previous evidence for pathogenicity. p.(Gly323Glu) has been reported in the literature in an individual with osteogenesis imperfecta type III (PMID: 17078022). - Variant is located in the well-established functional Gly-X-Y motif in the collagen triple helical domain (DECIPHER); Missense variant predicted to be damaging by in silico tool(s) or highly conserved with a major amino acid change; Additional information: Variant is predicted to result in a missense amino acid change from glycine to arginine; This variant is heterozygous; This gene is associated with autosomal dominant disease; No published segregation evidence has been identified for this variant; No published functional evidence has been identified for this variant; Dominant negative and loss of function are known mechanisms of disease in this gene and are associated with osteogenesis imperfecta (OI) types I-IV, and other conditions (OMIM). Variants resulting in a truncated protein are known to have a loss of function effect on protein, while missense variants affecting the G-X-Y of a triple helix motif have a dominant negative effect (PMIDs: 27509835, 12362985); Variants in this gene are known to have variable expressivity (PMID: 20301472).

Literature cited by the submitters: PubMed 12362985; PubMed 17078022; PubMed 27509835; PubMed 20301472; PubMed 30715774; PubMed 25742658.

NM_000088.4(COL1A1):c.967G>A (p.Gly323Arg)

Gene: COL1A1 (collagen type I alpha 1 chain; minus strand). Cytogenetic location: 17q21.33.
Variant type: single nucleotide variant.
Coding change: c.967G>A on transcript NM_000088.4 (MANE Select); coding-DNA position 967, G replaced by A.
Protein change: p.Gly323Arg; replaces glycine 323 with arginine.
Molecular consequence: missense variant.
Genome position (GRCh38, 1-based): chr17:50,196,190, C>T on the plus strand (G>A on the coding strand, the complement: COL1A1 is on the minus strand). VCF-style: chr17-50196190-C-T. GRCh37 (hg19) VCF-style: chr17-48273551-C-T.
Other names: short protein forms G323R.
Identifiers: ClinVar variation 4531666 (VCV004531666.1).